The following is an entry in ClinVar:

NM_006393.3(NEBL):c.153+5G>A

Gene: NEBL (nebulette; minus strand). Cytogenetic location: 10p12.31.
Variant type: single nucleotide variant.
Coding change: c.153+5G>A on transcript NM_006393.3 (MANE Select); 5 bases into the intron after coding-DNA position 153, G replaced by A.
Molecular consequence: intron variant.
Genome position (GRCh38, 1-based): chr10:20,896,953, C>T on the plus strand (G>A on the coding strand, the complement: NEBL is on the minus strand). VCF-style: chr10-20896953-C-T. GRCh37 (hg19) VCF-style: chr10-21185882-C-T.
Other names: c.249+64719G>A (NM_001377326.1, NM_001377327.1, NM_001377328.1); c.357+64719G>A (NM_213569.2, NM_001173484.2, NM_001377322.1); c.300+64719G>A (NM_001377324.1); c.291+64719G>A (NM_001377325.1); c.309+64719G>A (NM_001377323.1).
Identifiers: ClinVar variation 943361 (VCV000943361.8), dbSNP rs766864066, ClinGen allele CA5433363.

ClinVar aggregate classification (germline): Uncertain significance (1 of 4 stars; one submission).

Conditions:
Primary dilated cardiomyopathy (DCM). Also called: Dilated Cardiomyopathy. Identifiers: Orphanet 217604, MedGen C0007193, MeSH D002311, MONDO:0005021, HP:0001644. Inheritance: Various modes of inheritance.

Allele frequency attached by ClinVar (database versions not stated): gnomAD exomes below 0.00001 and 0.00001; ExAC 0.00001; gnomAD 0.00001; TOPMed 0.00002.
gnomAD v4.1: 3 of 1,613,336 alleles (0.00019%); highest among the groups gnomAD compares: Non-Finnish European, 0.00025%; no homozygotes.

Submission:

Labcorp Genetics (formerly Invitae), Labcorp
Classification: Uncertain significance for Primary dilated cardiomyopathy. Last evaluated: 2025-11-03. Review status: criteria provided, single submitter. Criteria: Invitae Variant Classification Sherloc (09022015). Collection method: clinical testing. Allele origin: germline.
Comment: This sequence change falls in intron 2 of the NEBL gene. It does not directly change the encoded amino acid sequence of the NEBL protein. It affects a nucleotide within the consensus splice site. This variant is present in population databases (rs766864066, gnomAD 0.002%). This variant has not been reported in the literature in individuals affected with NEBL-related conditions. ClinVar contains an entry for this variant (Variation ID: 943361). Variants that disrupt the consensus splice site are a relatively common cause of aberrant splicing (PMID: 17576681, 9536098). Algorithms developed to predict the effect of sequence changes on RNA splicing suggest that this variant may disrupt the consensus splice site. In summary, the available evidence is currently insufficient to determine the role of this variant in disease. Therefore, it has been classified as a Variant of Uncertain Significance.

Literature cited by the submitters: PubMed 17576681; PubMed 9536098.